The following is an entry in ClinVar:

ClinVar aggregate classification (germline): Uncertain significance. Review status: criteria provided, multiple submitters, no conflicts (2 of 4 stars). 2 submissions from 2 submitters: Uncertain significance (2). Last evaluated 2023-04-11.

Conditions:
Neuropathy, hereditary sensory and autonomic, type 2A (HSAN2A). Also called: ACROOSTEOLYSIS, GIACCAI TYPE; ACROOSTEOLYSIS, NEUROGENIC; MORVAN DISEASE; NEUROPATHY, CONGENITAL SENSORY; NEUROPATHY, HEREDITARY SENSORY RADICULAR, AUTOSOMAL RECESSIVE; NEUROPATHY, HEREDITARY SENSORY, TYPE IIA. Identifiers: Orphanet 970, MedGen C2752089, MONDO:0024309, OMIM 201300.
Pseudohypoaldosteronism type 2C (PHA2C). Also called: Pseudohypoaldosteronism Type IIC. Identifiers: Orphanet 757, Orphanet 88940, MedGen C1840391, MONDO:0013778, OMIM 614492.
Inborn genetic diseases. Identifiers: MedGen C0950123, MeSH D030342.

gnomAD v4.1: 3 of 1,614,224 alleles (0.00019%); highest among the groups gnomAD compares: Non-Finnish European, 0.00017%; no homozygotes.

Submissions (2):

Labcorp Genetics (formerly Invitae), Labcorp
Classification: Uncertain significance for Neuropathy, hereditary sensory and autonomic, type 2A; Pseudohypoaldosteronism type 2C. Last evaluated: 2023-04-11. Review status: criteria provided, single submitter. Criteria: Invitae Variant Classification Sherloc (09022015). Collection method: clinical testing. Allele origin: germline.
Comment: In summary, the available evidence is currently insufficient to determine the role of this variant in disease. Therefore, it has been classified as a Variant of Uncertain Significance. Advanced modeling of protein sequence and biophysical properties (such as structural, functional, and spatial information, amino acid conservation, physicochemical variation, residue mobility, and thermodynamic stability) performed at Invitae indicates that this missense variant is not expected to disrupt WNK1 protein function. This variant has not been reported in the literature in individuals affected with WNK1-related conditions. This variant is not present in population databases (gnomAD no frequency). This sequence change replaces serine, which is neutral and polar, with tyrosine, which is neutral and polar, at codon 1695 of the WNK1 protein (p.Ser1695Tyr).

Ambry Genetics
Classification: Uncertain significance for Inborn genetic diseases. Last evaluated: 2023-03-13. Review status: criteria provided, single submitter. Criteria: Ambry Variant Classification Scheme 2023. Collection method: clinical testing. Allele origin: germline.

NM_018979.4(WNK1):c.4328C>A (p.Ser1443Tyr)

Gene: WNK1 (WNK lysine deficient protein kinase 1; plus strand). Cytogenetic location: 12p13.33.
Variant type: single nucleotide variant.
Coding change: c.4328C>A on transcript NM_018979.4 (MANE Select); coding-DNA position 4328, C replaced by A.
Protein change: p.Ser1443Tyr; replaces serine 1443 with tyrosine.
Molecular consequence: missense variant.
Genome position (GRCh38, 1-based): chr12:885,132, C>A. VCF-style: chr12-885132-C-A. GRCh37 (hg19) VCF-style: chr12-994298-C-A.
Other names: c.5108C>A, p.Ser1703Tyr (NM_001184985.2); c.3587C>A, p.Ser1196Tyr (NM_014823.3); c.5084C>A, p.Ser1695Tyr (NM_213655.5); short protein forms S1196Y, S1443Y, S1695Y, S1703Y.
Identifiers: ClinVar variation 2492348 (VCV002492348.5), dbSNP rs372955308, ClinGen allele CA231479176.
Genomic context (GRCh38, chr12:885,132, plus strand): 5'-CAATATCTACTACATCCCCGTCACTTCAAGTCCCCACATCCACATCTGAGATCGTTGTTT[C>A]TAGTACAGCACTGTATCCTTCAGTAACAGTTTCAGCAACTTCAGCCTCTGCAGGGGGCAG-3'
Protein context (NP_061852.3, residues 1433-1453): VPTSTSEIVV[Ser1443Tyr]STALYPSVTV